The following is an entry in ClinVar:

NM_015506.3(MMACHC):c.738C>T (p.Pro246=)

Gene: MMACHC (metabolism of cobalamin associated C; plus strand). Cytogenetic location: 1p34.1.
Variant type: single nucleotide variant.
Coding change: c.738C>T on transcript NM_015506.3 (MANE Select); coding-DNA position 738, C replaced by T.
Protein change: p.Pro246=; no amino-acid change (proline 246 retained).
Molecular consequence: synonymous variant.
Genome position (GRCh38, 1-based): chr1:45,509,104, C>T. VCF-style: chr1-45509104-C-T. GRCh37 (hg19) VCF-style: chr1-45974776-C-T.
Other names: p.P246P:CCC>CCT; p.Pro246=; c.567C>T, p.Pro189= (NM_001330540.2).
Identifiers: ClinVar variation 138239 (VCV000138239.19), dbSNP rs16832550, ClinGen allele CA292119.

ClinVar aggregate classification (germline): Benign. Review status: criteria provided, multiple submitters, no conflicts (2 of 4 stars). 7 submissions from 7 submitters: Benign (7). Last evaluated 2026-02-02.

Conditions:
Disorders of Intracellular Cobalamin Metabolism. Identifiers: MedGen CN043592.
Cobalamin C disease. Also called: Methylmalonic aciduria and homocystinuria, Vitamin B12-responsive; Vitamin B12 metabolic defect with combined deficiency of methylmalonyl-CoA mutase and homocysteine:methyltetrahydrofolate methyltransferase; methylmalonic aciduria and homocystinuria type cblC; Methylmalonic aciduria with homocystinuria cblC type; Cobalamin-C methylmalonic acidemia and homocystinuria; Methylmalonic acidemia and homocystinuria cblC type. Identifiers: Orphanet 26, Orphanet 79282, MedGen C1848561, MONDO:0010184, OMIM 277400.

Allele frequency attached by ClinVar (database versions not stated): gnomAD 0.01337 and 0.01269; ESP Exome Variant Server 0.01358; TOPMed 0.01433; 1000 Genomes Project 30x 0.01593; 1000 Genomes Project 0.01617; gnomAD exomes 0.00209 and 0.00503; ExAC 0.00562.
gnomAD v4.1: 5,187 of 1,612,282 alleles (0.32%); highest among the groups gnomAD compares: African/African-American, 4%; 90 homozygotes.

Submissions (7):

Women's Health and Genetics/Laboratory Corporation of America, LabCorp
Classification: Benign. Last evaluated: 2026-02-02. Review status: criteria provided, single submitter. Criteria: LabCorp Variant Classification Summary - May 2015. Collection method: clinical testing. Allele origin: germline.

Labcorp Genetics (formerly Invitae), Labcorp
Classification: Benign for Cobalamin C disease. Last evaluated: 2026-01-31. Review status: criteria provided, single submitter. Criteria: Invitae Variant Classification Sherloc (09022015). Collection method: clinical testing. Allele origin: germline.

Mayo Clinic Laboratories, Mayo Clinic
Classification: Benign. Last evaluated: 2024-11-14. Review status: criteria provided, single submitter. Criteria: ACMG Guidelines, 2015. Collection method: clinical testing. Allele origin: germline. Observed: 65 variant alleles.
Comment: BA1, BP4, BP7

Genome-Nilou Lab
Classification: Benign for Cobalamin C disease. Last evaluated: 2023-04-11. Review status: criteria provided, single submitter. Criteria: ACMG Guidelines, 2015. Collection method: clinical testing. Allele origin: germline. Affected: no.

Illumina Laboratory Services, Illumina
Classification: Benign for Disorders of Intracellular Cobalamin Metabolism. Last evaluated: 2018-01-13. Review status: criteria provided, single submitter. Criteria: ICSL Variant Classification Criteria 13 December 2019. Collection method: clinical testing. Allele origin: germline.
Comment: This variant was observed in the ICSL laboratory as part of a predisposition screen in an ostensibly healthy population. It had not been previously curated by ICSL or reported in the Human Gene Mutation Database (HGMD: prior to June 1st, 2018), and was therefore a candidate for classification through an automated scoring system. Utilizing variant allele frequency, disease prevalence and penetrance estimates, and inheritance mode, an automated score was calculated to assess if this variant is too frequent to cause the disease. Based on the score and internal cut-off values, a variant classified as benign is not then subjected to further curation. The score for this variant resulted in a classification of benign for this disease.

GeneDx
Classification: Benign. Last evaluated: 2014-04-02. Review status: criteria provided, single submitter. Criteria: GeneDx Variant Classification (06012015). Collection method: clinical testing. Allele origin: germline. Affected: yes.
Comment: This variant is considered likely benign or benign based on one or more of the following criteria: it is a conservative change, it occurs at a poorly conserved position in the protein, it is predicted to be benign by multiple in silico algorithms, and/or has population frequency not consistent with disease.

Breakthrough Genomics
Classification: Benign. Review status: criteria provided, single submitter. Criteria: ACMG Guidelines, 2015. Collection method: not provided. Allele origin: germline. Inheritance: Autosomal recessive inheritance. Affected: yes.